The following is an entry in ClinVar:

ClinVar aggregate classification (germline): Uncertain significance. Review status: criteria provided, multiple submitters, no conflicts (2 of 4 stars). 2 submissions from 2 submitters: Uncertain significance (2). Last evaluated 2026-05-09.

Conditions:
CACNB2-related disorder. Also called: CACNB2-related condition.
Brugada syndrome 4 (BRGDA4). Identifiers: Orphanet 130, MedGen C2678477, MONDO:0012743, OMIM 611876.

Allele frequency attached by ClinVar (database versions not stated): gnomAD 0.00001; TOPMed 0.00003; ESP Exome Variant Server 0.00008.
gnomAD v4.1: 6 of 1,612,378 alleles (0.00037%); highest among the groups gnomAD compares: Non-Finnish European, 0.00042%; no homozygotes.

Submissions (2):

PreventionGenetics, part of Exact Sciences
Classification: Uncertain significance for CACNB2-related condition. Last evaluated: 2026-05-09. Review status: criteria provided, single submitter. Criteria: ACMG Guidelines, 2015. Collection method: clinical testing. Allele origin: germline.
Comment: The CACNB2 c.640C>T variant is predicted to result in the amino acid substitution p.Arg214Trp. Of note, this variant can also be referred to as c.642+664C>T with an alternate isoform, NM_201590. To our knowledge, this variant has not been reported in the literature. This variant is reported in 0.0026% of alleles in individuals of European (non-Finnish) descent in gnomAD. At this time, the clinical significance of this variant is uncertain due to the absence of conclusive functional and genetic evidence.

Baylor Genetics
Classification: Uncertain significance for Brugada syndrome 4. Last evaluated: 2022-10-13. Review status: criteria provided, single submitter. Criteria: ACMG Guidelines, 2015. Collection method: clinical testing. Allele origin: unknown.

NM_201596.3(CACNB2):c.804+664C>T

Gene: CACNB2 (calcium voltage-gated channel auxiliary subunit beta 2; plus strand). Cytogenetic location: 10p12.31.
Variant type: single nucleotide variant.
Coding change: c.804+664C>T on transcript NM_201596.3 (MANE Select); 664 bases into the intron after coding-DNA position 804, C replaced by T.
Molecular consequence: intron variant. On other transcripts: missense variant (2).
Genome position (GRCh38, 1-based): chr10:18,515,033, C>T. VCF-style: chr10-18515033-C-T. GRCh37 (hg19) VCF-style: chr10-18803962-C-T.
Other names: c.640C>T (NM_201572.3); c.640C>T, p.Arg214Trp (NM_201572.4); c.724C>T, p.Arg242Trp (NM_201597.3); c.720+664C>T (NM_201571.4); c.606+503C>T (NM_001167945.2); c.690+503C>T (NM_201593.3); c.639+664C>T (NM_000724.4); c.525+503C>T (NM_001330060.2); and 2 more; short protein forms R214W, R242W.
Identifiers: ClinVar variation 2441633 (VCV002441633.2), dbSNP rs377255285, ClinGen allele CA5429773.
Genomic context (GRCh38, chr10:18,515,033, plus strand): 5'-CCACTAGGTGCAAAATCTGCAGATGAACAAGACCAGTGGAAAACTGCAGGCTTGTTTTGG[C>T]GGTTTACTGTGAGTTTTTCCTATTGTCATATATAAATATTCTCCCGATGTTCTTGCCTTC-3'